The following is an entry in ClinVar:

NM_004320.6(ATP2A1):c.2462C>A (p.Pro821His)

Gene: ATP2A1 (ATPase sarcoplasmic/endoplasmic reticulum Ca2+ transporting 1; plus strand). Cytogenetic location: 16p11.2.
Variant type: single nucleotide variant.
Coding change: c.2462C>A on transcript NM_004320.6 (MANE Select); coding-DNA position 2462, C replaced by A.
Protein change: p.Pro821His; replaces proline 821 with histidine.
Molecular consequence: missense variant.
Genome position (GRCh38, 1-based): chr16:28,902,324, C>A. VCF-style: chr16-28902324-C-A. GRCh37 (hg19) VCF-style: chr16-28913645-C-A.
Other names: c.2087C>A, p.Pro696His (NM_001286075.2); c.2462C>A, p.Pro821His (NM_173201.5); short protein forms P821H, P696H.
Identifiers: ClinVar variation 658134 (VCV000658134.9), dbSNP rs774562744, ClinGen allele CA395414109.

ClinVar aggregate classification (germline): Uncertain significance. Review status: criteria provided, multiple submitters, no conflicts (2 of 4 stars). 2 submissions from 2 submitters: Uncertain significance (2). Last evaluated 2024-06-26.

Conditions:
Brody myopathy. Also called: BRODY DISEASE. Identifiers: Orphanet 53347, MedGen C1832918, MONDO:0010977, OMIM 601003.

gnomAD v4.1: 3 of 1,614,136 alleles (0.00019%); highest among the groups gnomAD compares: Non-Finnish European, 0.00017%; no homozygotes.

Submissions (2):

Blueprint Genetics
Classification: Uncertain significance. Last evaluated: 2024-06-26. Review status: criteria provided, single submitter. Criteria: ACMG Guidelines, 2015. Collection method: clinical testing. Allele origin: germline.

Labcorp Genetics (formerly Invitae), Labcorp
Classification: Uncertain significance for Brody myopathy. Last evaluated: 2022-05-03. Review status: criteria provided, single submitter. Criteria: Invitae Variant Classification Sherloc (09022015). Collection method: clinical testing. Allele origin: germline.
Comment: This sequence change replaces proline, which is neutral and non-polar, with histidine, which is basic and polar, at codon 821 of the ATP2A1 protein (p.Pro821His). This variant is not present in population databases (gnomAD no frequency). This variant has not been reported in the literature in individuals affected with ATP2A1-related conditions. ClinVar contains an entry for this variant (Variation ID: 658134). Algorithms developed to predict the effect of missense changes on protein structure and function are either unavailable or do not agree on the potential impact of this missense change (SIFT: "Deleterious"; PolyPhen-2: "Probably Damaging"; Align-GVGD: "Class C0"). In summary, the available evidence is currently insufficient to determine the role of this variant in disease. Therefore, it has been classified as a Variant of Uncertain Significance.